The following is an entry in ClinVar:

ClinVar aggregate classification (germline): Pathogenic (1 of 4 stars; one submission).

Conditions:
Methylmalonic aciduria due to methylmalonyl-CoA mutase deficiency (MAMM). Also called: Methylmalonic aciduria, mut type. Identifiers: Orphanet 27, MedGen C1855114, MONDO:0009612, OMIM 251000.

Submission:

Myriad Genetics, Inc.
Classification: Pathogenic for Methylmalonic aciduria due to methylmalonyl-CoA mutase deficiency. Last evaluated: 2024-06-01. Review status: criteria provided, single submitter. Criteria: Myriad Autosomal Dominant, Autosomal Recessive and X-Linked Classification Criteria (2023). Collection method: clinical testing. Allele origin: unknown.
Comment: NM_000255.3(MMUT):c.1615G>T(E539*) is expected to be pathogenic in the context of methylmalonic acidemia, MMUT-related. This variant is predicted to lead to an abnormal or absent protein product due to the creation of a premature termination codon in MMUT, a gene where loss-of-function variants are known to be pathogenic. Please note: this variant was assessed in the context of healthy population screening.

NM_000255.4(MMUT):c.1615G>T (p.Glu539Ter)

Gene: MMUT (methylmalonyl-CoA mutase; minus strand). Cytogenetic location: 6p12.3.
Variant type: single nucleotide variant.
Coding change: c.1615G>T on transcript NM_000255.4 (MANE Select); coding-DNA position 1615, G replaced by T.
Protein change: p.Glu539Ter; replaces glutamic acid 539 with a stop codon.
Molecular consequence: nonsense.
Genome position (GRCh38, 1-based): chr6:49,444,700, C>A on the plus strand (G>T on the coding strand, the complement: MMUT is on the minus strand). VCF-style: chr6-49444700-C-A. GRCh37 (hg19) VCF-style: chr6-49412413-C-A.
Other names: short protein forms E539*.
Identifiers: ClinVar variation 5014004 (VCV005014004.1).